The following is an entry in ClinVar:

NM_001231.5(CASQ1):c.3G>A (p.Met1Ile)

Gene: CASQ1 (calsequestrin 1; plus strand). Cytogenetic location: 1q23.2.
Variant type: single nucleotide variant.
Coding change: c.3G>A on transcript NM_001231.5 (MANE Select); coding-DNA position 3, G replaced by A.
Protein change: p.Met1Ile; changes the start codon (methionine 1).
Molecular consequence: missense variant, initiator codon variant.
Genome position (GRCh38, 1-based): chr1:160,190,754, G>A. VCF-style: chr1-160190754-G-A. GRCh37 (hg19) VCF-style: chr1-160160544-G-A.
Other names: short protein forms M1I.
Identifiers: ClinVar variation 2105515 (VCV002105515.5), dbSNP rs905911175, ClinGen allele CA31495540.
Genomic context (GRCh38, chr1:160,190,754, plus strand): 5'-CCCTACCCCAGCTAACCTCTTCTGGACCAGGAGAGCCAACCCAGATCCCACTACCTCCAT[G>A]AGTGCTACAGACAGGATGGGGCCCAGAGCTGTGCCGGGTCTGCGGCTGGCACTGCTGTTG-3'
Protein context (NP_001222.3, residues 1-11): [Met1Ile]SATDRMGPRA

ClinVar aggregate classification (germline): Uncertain significance (1 of 4 stars; one submission).

Allele frequency attached by ClinVar (database versions not stated): gnomAD 0.00001; TOPMed 0.00001.

Submission:

Labcorp Genetics (formerly Invitae), Labcorp
Classification: Uncertain significance. Last evaluated: 2022-10-05. Review status: criteria provided, single submitter. Criteria: Invitae Variant Classification Sherloc (09022015). Collection method: clinical testing. Allele origin: germline.
Comment: This sequence change affects the initiator methionine of the CASQ1 mRNA. The next in-frame methionine is located at codon 7. This variant is not present in population databases (gnomAD no frequency). This variant has not been reported in the literature in individuals affected with CASQ1-related conditions. Experimental studies and prediction algorithms are not available or were not evaluated, and the functional significance of this variant is currently unknown. In summary, the available evidence is currently insufficient to determine the role of this variant in disease. Therefore, it has been classified as a Variant of Uncertain Significance.